The following is an entry in ClinVar:

NM_005472.5(KCNE3):c.37A>G (p.Ser13Gly)

Gene: KCNE3 (potassium voltage-gated channel subfamily E regulatory subunit 3; minus strand). Cytogenetic location: 11q13.4.
Variant type: single nucleotide variant.
Coding change: c.37A>G on transcript NM_005472.5 (MANE Select); coding-DNA position 37, A replaced by G.
Protein change: p.Ser13Gly; replaces serine 13 with glycine.
Molecular consequence: missense variant.
Genome position (GRCh38, 1-based): chr11:74,457,527, T>C on the plus strand (A>G on the coding strand, the complement: KCNE3 is on the minus strand). VCF-style: chr11-74457527-T-C. GRCh37 (hg19) VCF-style: chr11-74168572-T-C.
Other names: short protein forms S13G.
Identifiers: ClinVar variation 519281 (VCV000519281.5), dbSNP rs1466840832, ClinGen allele CA381974190.
Genomic context (GRCh38, chr11:74,457,527, plus strand): 5'-GCCGGCAGAGCAAATTGCTGTGAAGAGTGGCATTTAGAGCCTTCAGCACGGCATGCAGGC[T>C]CTCATACCAGGTCTCCGTTCCATTGGTAGTCTCCATAGCAACAGGGATTGAGGTGGGGGA-3'
Protein context (NP_005463.1, residues 3-23): TTNGTETWYE[Ser13Gly]LHAVLKALNA

ClinVar aggregate classification (germline): Uncertain significance (1 of 4 stars; one submission).

Conditions:
Cardiovascular phenotype. Identifiers: MedGen CN230736.

Submission:

Ambry Genetics
Classification: Uncertain significance for Cardiovascular phenotype. Last evaluated: 2016-07-18. Review status: criteria provided, single submitter. Criteria: Ambry Variant Classification Scheme 2023. Collection method: clinical testing. Allele origin: germline.
Comment: The p.S13G variant (also known as c.37A>G), located in coding exon 1 of the KCNE3 gene, results from an A to G substitution at nucleotide position 37. The serine at codon 13 is replaced by glycine, an amino acid with similar properties. This variant was not reported in population based cohorts in the following databases: Database of Single Nucleotide Polymorphisms (dbSNP), NHLBI Exome Sequencing Project (ESP), and 1000 Genomes Project. In the ESP, this variant was not observed in 6493 samples (12986 alleles) with coverage at this position. This amino acid position is well conserved on limited sequence alignment. In addition, the in silico prediction for this alteration is inconclusive. Since supporting evidence is limited at this time, the clinical significance of this alteration remains unclear.